The following is an entry in ClinVar:

NM_001001957.2(OR2W3):c.547G>A (p.Ala183Thr)

Gene: OR2W3 (olfactory receptor family 2 subfamily W member 3; plus strand). Cytogenetic location: 1q44.
Variant type: single nucleotide variant.
Coding change: c.547G>A on transcript NM_001001957.2 (MANE Select); coding-DNA position 547, G replaced by A.
Protein change: p.Ala183Thr; replaces alanine 183 with threonine.
Molecular consequence: missense variant.
Genome position (GRCh38, 1-based): chr1:247,896,133, G>A. VCF-style: chr1-247896133-G-A. GRCh37 (hg19) VCF-style: chr1-248059435-G-A.
Other names: short protein forms A183T.
Identifiers: ClinVar variation 1445556 (VCV001445556.7), dbSNP rs201811838, ClinGen allele CA1498629.

ClinVar aggregate classification (germline): Uncertain significance. Review status: criteria provided, multiple submitters, no conflicts (2 of 4 stars). 2 submissions from 2 submitters: Uncertain significance (2). Last evaluated 2025-12-01.

Allele frequency attached by ClinVar (database versions not stated): ESP Exome Variant Server 0.00031; 1000 Genomes Project 0.00040; gnomAD 0.00042 and 0.00043; 1000 Genomes Project 30x 0.00047; TOPMed 0.00047.

Submissions (2):

Labcorp Genetics (formerly Invitae), Labcorp
Classification: Uncertain significance. Last evaluated: 2025-12-01. Review status: criteria provided, single submitter. Criteria: Invitae Variant Classification Sherloc (09022015). Collection method: clinical testing. Allele origin: germline.
Comment: This sequence change replaces alanine, which is neutral and non-polar, with threonine, which is neutral and polar, at codon 183 of the OR2W3 protein (p.Ala183Thr). This variant is present in population databases (rs201811838, gnomAD 0.1%), and has an allele count higher than expected for a pathogenic variant. This variant has not been reported in the literature in individuals affected with OR2W3-related conditions. ClinVar contains an entry for this variant (Variation ID: 1445556). An algorithm developed to predict the effect of missense changes on protein structure and function (PolyPhen-2) suggests that this variant is likely to be tolerated. In summary, the available evidence is currently insufficient to determine the role of this variant in disease. Therefore, it has been classified as a Variant of Uncertain Significance.

Breakthrough Genomics
Classification: Uncertain significance. Review status: criteria provided, single submitter. Criteria: ACMG Guidelines, 2015. Collection method: not provided. Allele origin: germline. Inheritance: Unknown mechanism. Affected: yes.